The following is an entry in ClinVar:

NM_198576.4(AGRN):c.2666C>T (p.Ala889Val)

Gene: AGRN (agrin; plus strand). Cytogenetic location: 1p36.33.
Variant type: single nucleotide variant.
Coding change: c.2666C>T on transcript NM_198576.4 (MANE Select); coding-DNA position 2666, C replaced by T.
Protein change: p.Ala889Val; replaces alanine 889 with valine.
Molecular consequence: missense variant.
Genome position (GRCh38, 1-based): chr1:1,045,862, C>T. VCF-style: chr1-1045862-C-T. GRCh37 (hg19) VCF-style: chr1-981242-C-T.
Other names: c.2666C>T, p.Ala889Val (NM_001305275.2); c.2351C>T, p.Ala784Val (NM_001364727.2); short protein forms A784V, A889V.
Identifiers: ClinVar variation 846866 (VCV000846866.10), dbSNP rs532395667, ClinGen allele CA508735.

ClinVar aggregate classification (germline): Uncertain significance. Review status: criteria provided, multiple submitters, no conflicts (2 of 4 stars). 3 submissions from 3 submitters: Uncertain significance (3). Last evaluated 2025-09-01.

Conditions:
Inborn genetic diseases. Identifiers: MedGen C0950123, MeSH D030342.
Congenital myasthenic syndrome 8. Also called: MYASTHENIC SYNDROME, CONGENITAL, DUE TO AGRIN DEFICIENCY; Myasthenic syndrome, congenital, 8, with pre- and postsynaptic defects. Identifiers: Orphanet 590, MedGen C3808739, MONDO:0014052, OMIM 615120.

Allele frequency attached by ClinVar (database versions not stated): gnomAD exomes 0.00003; ExAC 0.00005; TOPMed 0.00010; gnomAD 0.00015 and 0.00016; 1000 Genomes Project 30x 0.00031; 1000 Genomes Project 0.00040.
gnomAD v4.1: 56 of 1,610,854 alleles (0.0035%); highest among the groups gnomAD compares: African/African-American, 0.025%; no homozygotes.

Submissions (3):

Ambry Genetics
Classification: Uncertain significance for Inborn genetic diseases. Last evaluated: 2025-09-01. Review status: criteria provided, single submitter. Criteria: Ambry Variant Classification Scheme 2023. Collection method: clinical testing. Allele origin: germline.

Labcorp Genetics (formerly Invitae), Labcorp
Classification: Uncertain significance for Congenital myasthenic syndrome 8. Last evaluated: 2022-01-17. Review status: criteria provided, single submitter. Criteria: Invitae Variant Classification Sherloc (09022015). Collection method: clinical testing. Allele origin: germline.
Comment: This sequence change replaces alanine, which is neutral and non-polar, with valine, which is neutral and non-polar, at codon 889 of the AGRN protein (p.Ala889Val). This variant is present in population databases (rs532395667, gnomAD 0.01%). This variant has not been reported in the literature in individuals affected with AGRN-related conditions. ClinVar contains an entry for this variant (Variation ID: 846866). Algorithms developed to predict the effect of missense changes on protein structure and function are either unavailable or do not agree on the potential impact of this missense change (SIFT: "Tolerated"; PolyPhen-2: "Possibly Damaging"; Align-GVGD: "Class C0"). In summary, the available evidence is currently insufficient to determine the role of this variant in disease. Therefore, it has been classified as a Variant of Uncertain Significance.

Revvity Omics, Revvity
Classification: Uncertain significance for Congenital myasthenic syndrome 8. Last evaluated: 2021-12-02. Review status: criteria provided, single submitter. Criteria: ACMG Guidelines, 2015. Collection method: clinical testing. Allele origin: germline.